The following is an entry in ClinVar:

NM_003872.3(NRP2):c.1440G>A (p.Gln480=)

Gene: NRP2 (neuropilin 2; plus strand). Cytogenetic location: 2q33.3.
Variant type: single nucleotide variant.
Coding change: c.1440G>A on transcript NM_003872.3 (MANE Select); coding-DNA position 1440, G replaced by A.
Protein change: p.Gln480=; no amino-acid change (glutamine 480 retained).
Molecular consequence: synonymous variant.
Genome position (GRCh38, 1-based): chr2:205,743,351, G>A. VCF-style: chr2-205743351-G-A. GRCh37 (hg19) VCF-style: chr2-206608075-G-A.
Other names: c.1440G>A, p.Gln480= (NM_018534.4, NM_201264.2, NM_201266.2 and 2 more transcripts).
Identifiers: ClinVar variation 4984096 (VCV004984096.1).

ClinVar aggregate classification (germline): Likely benign (1 of 4 stars; one submission).

Conditions:
NRP2-related disorder. Also called: NRP2-related condition.

gnomAD v4.1: 10 of 1,614,124 alleles (0.00062%); highest among the groups gnomAD compares: African/African-American, 0.013%; no homozygotes.

Submission:

PreventionGenetics, part of Exact Sciences
Classification: Likely benign for NRP2-related condition. Last evaluated: 2024-11-15. Review status: criteria provided, single submitter. Criteria: ACMG Guidelines, 2015. Collection method: clinical testing. Allele origin: germline.
Comment: This variant is classified as likely benign based on ACMG/AMP sequence variant interpretation guidelines (Richards et al. 2015 PMID: 25741868, with internal and published modifications).